The following is an entry in ClinVar:

NM_001365951.3(KIF1B):c.5407C>T (p.Arg1803Trp)

Gene: KIF1B (kinesin family member 1B; plus strand). Cytogenetic location: 1p36.22.
Variant type: single nucleotide variant.
Coding change: c.5407C>T on transcript NM_001365951.3 (MANE Select); coding-DNA position 5407, C replaced by T.
Protein change: p.Arg1803Trp; replaces arginine 1803 with tryptophan.
Molecular consequence: missense variant.
Genome position (GRCh38, 1-based): chr1:10,375,372, C>T. VCF-style: chr1-10375372-C-T. GRCh37 (hg19) VCF-style: chr1-10435430-C-T.
Other names: c.5407C>T, p.Arg1803Trp (NM_001365952.1); c.5269C>T, p.Arg1757Trp (NM_015074.3); short protein forms R1757W, R1803W.
Identifiers: ClinVar variation 836836 (VCV000836836.12), dbSNP rs759957126, ClinGen allele CA582330.
Genomic context (GRCh38, chr1:10,375,372, plus strand): 5'-AATGACAAAGACATGAACGACTGGTTGTATGCCTTCAACCCACTTCTAGCTGGCACAATA[C>T]GGTAAGAAGTTTTGTTGTTGTTGTTGTTGTTTTTGAGACGGAGTCTCACTTTTTCTCCCT-3'
Protein context (NP_001352880.1, residues 1793-1813): AFNPLLAGTI[Arg1803Trp]SKLSRRCPSQ

ClinVar aggregate classification (germline): Uncertain significance. Review status: criteria provided, multiple submitters, no conflicts (2 of 4 stars). 2 submissions from 2 submitters: Uncertain significance (2). Last evaluated 2024-05-08.

Conditions:
Charcot-Marie-Tooth disease type 2. Also called: Charcot-Marie-Tooth type 2. Identifiers: Orphanet 64746, MedGen C0270914, MONDO:0018993.

Allele frequency attached by ClinVar (database versions not stated): gnomAD exomes below 0.00001 and 0.00001; gnomAD 0.00001; ExAC 0.00002; TOPMed 0.00001.
gnomAD v4.1: 6 of 1,609,280 alleles (0.00037%); highest among the groups gnomAD compares: East Asian, 0.0022%; no homozygotes.

Submissions (2):

Labcorp Genetics (formerly Invitae), Labcorp
Classification: Uncertain significance for Charcot-Marie-Tooth disease type 2. Last evaluated: 2024-05-08. Review status: criteria provided, single submitter. Criteria: Invitae Variant Classification Sherloc (09022015). Collection method: clinical testing. Allele origin: germline.
Comment: This sequence change replaces arginine, which is basic and polar, with tryptophan, which is neutral and slightly polar, at codon 1757 of the KIF1B protein (p.Arg1757Trp). This variant is present in population databases (rs759957126, gnomAD 0.007%). This variant has not been reported in the literature in individuals affected with KIF1B-related conditions. ClinVar contains an entry for this variant (Variation ID: 836836). An algorithm developed to predict the effect of missense changes on protein structure and function (PolyPhen-2) suggests that this variant is likely to be disruptive. In summary, the available evidence is currently insufficient to determine the role of this variant in disease. Therefore, it has been classified as a Variant of Uncertain Significance.

Ambry Genetics
Classification: Uncertain significance. Last evaluated: 2024-02-28. Review status: criteria provided, single submitter. Criteria: Ambry Variant Classification Scheme 2023. Collection method: clinical testing. Allele origin: germline.
Comment: The p.R1757W variant (also known as c.5269C>T), located in coding exon 45 of the KIF1B gene, results from a C to T substitution at nucleotide position 5269. The arginine at codon 1757 is replaced by tryptophan, an amino acid with dissimilar properties. This amino acid position is highly conserved in available vertebrate species. In addition, this alteration is predicted to be deleterious by in silico analysis. Since supporting evidence is limited at this time, the clinical significance of this alteration remains unclear.